The following is an entry in ClinVar:

NM_005334.3(HCFC1):c.4623T>G (p.Pro1541=)

Gene: HCFC1 (host cell factor C1; minus strand). Cytogenetic location: Xq28.
Variant type: single nucleotide variant.
Coding change: c.4623T>G on transcript NM_005334.3 (MANE Select); coding-DNA position 4623, T replaced by G.
Protein change: p.Pro1541=; no amino-acid change (proline 1541 retained).
Molecular consequence: synonymous variant.
Genome position (GRCh38, 1-based): chrX:153,952,833, A>C on the plus strand (T>G on the coding strand, the complement: HCFC1 is on the minus strand). VCF-style: chrX-153952833-A-C. GRCh37 (hg19) VCF-style: chrX-153218284-A-C.
Other names: c.4755T>G, p.Pro1585= (NM_001410705.1, NM_001440843.1, NM_001440844.1); c.4752T>G, p.Pro1584= (NM_001440845.1, NM_001440846.1); c.4623T>G, p.Pro1541= (NM_001440847.1, NM_001440848.1, NM_001440849.1); c.4557T>G, p.Pro1519= (NM_001440850.1); c.4425T>G, p.Pro1475= (NM_001440851.1).
Identifiers: ClinVar variation 4085171 (VCV004085171.8).

ClinVar aggregate classification (germline): Likely benign (1 of 4 stars; one submission).

Submission:

CeGaT Center for Human Genetics Tuebingen
Classification: Likely benign. Last evaluated: 2025-06-01. Review status: criteria provided, single submitter. Criteria: CeGaT Center For Human Genetics Tuebingen Variant Classification Criteria Version 2. Collection method: clinical testing. Allele origin: germline. Affected: yes. Observed: 1 variant allele.
Comment: HCFC1: BP4, BP7